The following is an entry in ClinVar:

NM_000051.4(ATM):c.7927+5G>C

Genes: ATM (ATM serine/threonine kinase; plus strand), C11orf65 (chromosome 11 open reading frame 65; minus strand). Cytogenetic location: 11q22.3.
Variant type: single nucleotide variant.
Coding change: c.7927+5G>C on transcript NM_000051.4 (MANE Select); 5 bases into the intron after coding-DNA position 7927, G replaced by C.
Molecular consequence: intron variant.
Genome position (GRCh38, 1-based): chr11:108,332,905, G>C. VCF-style: chr11-108332905-G-C. GRCh37 (hg19) VCF-style: chr11-108203632-G-C.
Other names: c.7927+5G>C (NM_001351834.2); c.641-23834C>G (NM_001330368.2); c.*38+2315C>G (NM_001351110.2).
Identifiers: ClinVar variation 481356 (VCV000481356.11), dbSNP rs1299306446, ClinGen allele CA658656307.

ClinVar aggregate classification (germline): Uncertain significance. Review status: criteria provided, multiple submitters, no conflicts (2 of 4 stars). 2 submissions from 2 submitters: Uncertain significance (2). Last evaluated 2026-02-06.

Conditions:
Hereditary cancer-predisposing syndrome. Also called: Neoplastic Syndromes, Hereditary; Hereditary Cancer Syndrome; Tumor predisposition; Hereditary neoplastic syndrome. Identifiers: Orphanet 140162, MedGen C0027672, MeSH D009386, MONDO:0015356.
Ataxia-telangiectasia syndrome (AT). Also called: LOUIS-BAR SYNDROME; Cerebello-oculocutaneous telangiectasia; Immunodeficiency with ataxia telangiectasia; Ataxia-telangiectasia, complementation group D; AT, COMPLEMENTATION GROUP C; Ataxia-telangiectasia, complementation group E. Identifiers: Orphanet 100, MedGen C0004135, MONDO:0008840, OMIM 208900.

Allele frequency attached by ClinVar (database versions not stated): TOPMed below 0.00001.

Submissions (2):

Ambry Genetics
Classification: Uncertain significance for Hereditary cancer-predisposing syndrome. Last evaluated: 2026-02-06. Review status: criteria provided, single submitter. Criteria: Ambry Variant Classification Scheme 2023. Collection method: clinical testing. Allele origin: germline.
Comment: The c.7927+5G>C intronic variant results from a G to C substitution 5 nucleotides after coding exon 52 in the ATM gene. This nucleotide position is highly conserved in available vertebrate species. In silico splice site analysis predicts that this alteration may weaken the native splice donor site. Based on the available evidence, the clinical significance of this variant remains unclear.

Labcorp Genetics (formerly Invitae), Labcorp
Classification: Uncertain significance for Ataxia-telangiectasia syndrome. Last evaluated: 2025-12-03. Review status: criteria provided, single submitter. Criteria: Invitae Variant Classification Sherloc (09022015). Collection method: clinical testing. Allele origin: germline.
Comment: This sequence change falls in intron 53 of the ATM gene. It does not directly change the encoded amino acid sequence of the ATM protein. It affects a nucleotide within the consensus splice site. This variant is not present in population databases (gnomAD no frequency). This variant has not been reported in the literature in individuals affected with ATM-related conditions. ClinVar contains an entry for this variant (Variation ID: 481356). Variants that disrupt the consensus splice site are a relatively common cause of aberrant splicing (PMID: 17576681, 9536098). Algorithms developed to predict the effect of sequence changes on RNA splicing suggest that this variant may disrupt the consensus splice site. In summary, the available evidence is currently insufficient to determine the role of this variant in disease. Therefore, it has been classified as a Variant of Uncertain Significance.

Literature cited by the submitters: PubMed 17576681 (cited by Labcorp Genetics (formerly Invitae), Labcorp); PubMed 9536098 (cited by Labcorp Genetics (formerly Invitae), Labcorp).